The following is an entry in ClinVar:

ClinVar aggregate classification (germline): Uncertain significance. Review status: criteria provided, multiple submitters, no conflicts (2 of 4 stars). 2 submissions from 2 submitters: Uncertain significance (2). Last evaluated 2024-12-04.

Allele frequency attached by ClinVar (database versions not stated): TOPMed below 0.00001; gnomAD 0.00001.
gnomAD v4.1: 3 of 1,613,008 alleles (0.00019%); highest among the groups gnomAD compares: Non-Finnish European, 0.00017%; no homozygotes.

Submissions (2):

Ambry Genetics
Classification: Uncertain significance. Last evaluated: 2024-12-04. Review status: criteria provided, single submitter. Criteria: Ambry Variant Classification Scheme 2023. Collection method: clinical testing. Allele origin: germline.

Labcorp Genetics (formerly Invitae), Labcorp
Classification: Uncertain significance. Last evaluated: 2022-02-05. Review status: criteria provided, single submitter. Criteria: Invitae Variant Classification Sherloc (09022015). Collection method: clinical testing. Allele origin: germline.
Comment: This variant is present in population databases (no rsID available, gnomAD 0.0009%). In summary, the available evidence is currently insufficient to determine the role of this variant in disease. Therefore, it has been classified as a Variant of Uncertain Significance. Algorithms developed to predict the effect of missense changes on protein structure and function output the following: SIFT: "Tolerated"; PolyPhen-2: "Benign"; Align-GVGD: "Class C0". The leucine amino acid residue is found in multiple mammalian species, which suggests that this missense change does not adversely affect protein function. This variant has not been reported in the literature in individuals affected with HMCN1-related conditions. This sequence change replaces valine, which is neutral and non-polar, with leucine, which is neutral and non-polar, at codon 3405 of the HMCN1 protein (p.Val3405Leu).

NM_031935.3(HMCN1):c.10213G>T (p.Val3405Leu)

Gene: HMCN1 (hemicentin 1; plus strand). Cytogenetic location: 1q31.1.
Variant type: single nucleotide variant.
Coding change: c.10213G>T on transcript NM_031935.3 (MANE Select); coding-DNA position 10213, G replaced by T.
Protein change: p.Val3405Leu; replaces valine 3405 with leucine.
Molecular consequence: missense variant.
Genome position (GRCh38, 1-based): chr1:186,094,292, G>T. VCF-style: chr1-186094292-G-T. GRCh37 (hg19) VCF-style: chr1-186063424-G-T.
Other names: c.10213G>T (NM_031935.2); short protein forms V3405L.
Identifiers: ClinVar variation 1971404 (VCV001971404.6), dbSNP rs910605721, ClinGen allele CA33485635.